The following is an entry in ClinVar:

NM_000062.3(SERPING1):c.1458C>A (p.His486Gln)

Gene: SERPING1 (serpin family G member 1; plus strand). Cytogenetic location: 11q12.1.
Variant type: single nucleotide variant.
Coding change: c.1458C>A on transcript NM_000062.3 (MANE Select); coding-DNA position 1458, C replaced by A.
Protein change: p.His486Gln; replaces histidine 486 with glutamine.
Molecular consequence: missense variant.
Genome position (GRCh38, 1-based): chr11:57,614,536, C>A. VCF-style: chr11-57614536-C-A. GRCh37 (hg19) VCF-style: chr11-57382009-C-A.
Other names: c.1458C>A, p.His486Gln (NM_001032295.2); short protein forms H486Q.
Identifiers: ClinVar variation 4808687 (VCV004808687.2).
Genomic context (GRCh38, chr11:57,614,536, plus strand): 5'-CACCCTGCTGGTCTTTGAAGTGCAGCAGCCCTTCCTCTTCGTGCTCTGGGACCAGCAGCA[C>A]AAGTTCCCTGTCTTCATGGGGCGAGTATATGACCCCAGGGCCTGAGACCTGCAGGATCAG-3'
Protein context (NP_000053.2, residues 476-496): PFLFVLWDQQ[His486Gln]KFPVFMGRVY

ClinVar aggregate classification (germline): Uncertain significance. Review status: criteria provided, multiple submitters, no conflicts (2 of 4 stars). 2 submissions from 2 submitters: Uncertain significance (2). Last evaluated 2025-07-31.

gnomAD v4.1: 4 of 1,614,080 alleles (0.00025%); highest among the groups gnomAD compares: African/African-American, 0.004%; no homozygotes.

Submissions (2):

Labcorp Genetics (formerly Invitae), Labcorp
Classification: Uncertain significance. Last evaluated: 2025-07-31. Review status: criteria provided, single submitter. Criteria: Invitae Variant Classification Sherloc (09022015). Collection method: clinical testing. Allele origin: germline.
Comment: This sequence change replaces histidine, which is basic and polar, with glutamine, which is neutral and polar, at codon 486 of the SERPING1 protein (p.His486Gln). This variant is not present in population databases (gnomAD no frequency). This variant has not been reported in the literature in individuals affected with SERPING1-related conditions. Invitae Evidence Modeling of protein sequence and biophysical properties (such as structural, functional, and spatial information, amino acid conservation, physicochemical variation, residue mobility, and thermodynamic stability) has been performed for this missense variant. However, the output from this modeling did not meet the statistical confidence thresholds required to predict the impact of this variant on SERPING1 protein function. In summary, the available evidence is currently insufficient to determine the role of this variant in disease. Therefore, it has been classified as a Variant of Uncertain Significance.

Blueprint Genetics
Classification: Uncertain significance. Last evaluated: 2023-08-02. Review status: criteria provided, single submitter. Criteria: ACMG Guidelines, 2015. Collection method: clinical testing. Allele origin: germline.